The following is an entry in ClinVar:

NM_001122764.3(PPOX):c.1044T>A (p.Tyr348Ter)

Gene: PPOX (protoporphyrinogen oxidase; plus strand). Cytogenetic location: 1q23.3.
Variant type: single nucleotide variant.
Coding change: c.1044T>A on transcript NM_001122764.3 (MANE Select); coding-DNA position 1044, T replaced by A.
Protein change: p.Tyr348Ter; replaces tyrosine 348 with a stop codon.
Molecular consequence: nonsense. On other transcripts: intron variant (1).
Genome position (GRCh38, 1-based): chr1:161,170,465, T>A. VCF-style: chr1-161170465-T-A. GRCh37 (hg19) VCF-style: chr1-161140255-T-A.
Other names: c.1044T>A, p.Tyr348Ter (NM_000309.5, NM_001365398.1); c.945T>A, p.Tyr315Ter (NM_001350128.2); c.636T>A, p.Tyr212Ter (NM_001350129.2, NM_001365400.1); c.558T>A, p.Tyr186Ter (NM_001350130.2, NM_001350131.2, NM_001365401.1); c.988-155T>A (NM_001365399.1); short protein forms Y212*, Y348*, Y186*, Y315*.
Identifiers: ClinVar variation 5027225 (VCV005027225.1).

ClinVar aggregate classification (germline): Pathogenic (1 of 4 stars; one submission).

Conditions:
Inborn genetic diseases. Identifiers: MedGen C0950123, MeSH D030342.

Submission:

Ambry Genetics
Classification: Pathogenic for Inborn genetic diseases. Last evaluated: 2026-08-06. Review status: criteria provided, single submitter. Criteria: Ambry Variant Classification Scheme 2023. Collection method: clinical testing. Allele origin: germline.
Comment: The c.1044T>A (p.Y348*) alteration, located in exon 10 (coding exon 9) of the PPOX gene, consists of a T to A substitution at nucleotide position 1044.This variant is expected to result in loss of function by premature protein truncation or nonsense-mediated mRNA decay. This variant was not reported in population-based cohorts in the Genome Aggregation Database (gnomAD). Based on the available evidence, this alteration is classified as pathogenic.